The following is an entry in ClinVar:

NM_001370348.2(PHF3):c.1506C>T (p.Thr502=)

Gene: PHF3 (PHD finger protein 3; plus strand). Cytogenetic location: 6q12.
Variant type: single nucleotide variant.
Coding change: c.1506C>T on transcript NM_001370348.2 (MANE Select); coding-DNA position 1506, C replaced by T.
Protein change: p.Thr502=; no amino-acid change (threonine 502 retained).
Molecular consequence: synonymous variant. On other transcripts: intron variant (1).
Genome position (GRCh38, 1-based): chr6:63,685,228, C>T. VCF-style: chr6-63685228-C-T. GRCh37 (hg19) VCF-style: chr6-64395129-C-T.
Other names: c.1242C>T, p.Thr414= (NM_001290259.2, NM_001370349.2); c.1506C>T, p.Thr502= (NM_001290260.2, NM_015153.4); c.-5+5067C>T (NM_001370350.2).
Identifiers: ClinVar variation 786090 (VCV000786090.7), dbSNP rs113074394, ClinGen allele CA3875698.

ClinVar aggregate classification (germline): Likely benign. Review status: criteria provided, multiple submitters, no conflicts (2 of 4 stars). 4 submissions from 4 submitters: Likely benign (3). 1 of the submissions does not count toward it. Last evaluated 2026-08-01.

Conditions:
PHF3-related disorder. Also called: PHF3-related condition.

Allele frequency attached by ClinVar (database versions not stated): gnomAD exomes 0.00014 and 0.00017; ExAC 0.00015; gnomAD 0.00026 and 0.00030; TOPMed 0.00027; ESP Exome Variant Server 0.00038; 1000 Genomes Project 30x 0.00125; 1000 Genomes Project 0.00160.
gnomAD v4.1: 272 of 1,613,774 alleles (0.017%); highest among the groups gnomAD compares: Middle Eastern, 0.13%; 1 homozygote.

Submissions (4):

CeGaT Center for Human Genetics Tuebingen
Classification: Likely benign. Last evaluated: 2026-08-01. Review status: criteria provided, single submitter. Criteria: CeGaT Center For Human Genetics Tuebingen Variant Classification Criteria Version 2. Collection method: clinical testing. Allele origin: germline. Affected: yes. Observed: 1 variant allele.
Comment: PHF3: BP4, BP7

Labcorp Genetics (formerly Invitae), Labcorp
Classification: Likely benign. Last evaluated: 2018-12-27. Review status: criteria provided, single submitter. Criteria: Invitae Variant Classification Sherloc (09022015). Collection method: clinical testing. Allele origin: germline.

Breakthrough Genomics
Classification: Likely benign. Review status: criteria provided, single submitter. Criteria: ACMG Guidelines, 2015. Collection method: not provided. Allele origin: germline. Inheritance: Unknown mechanism. Affected: yes.

PreventionGenetics, part of Exact Sciences
Classification: Likely benign for PHF3-related condition. Last evaluated: 2020-02-26. Review status: no assertion criteria provided. Collection method: clinical testing. Allele origin: germline. Not counted in ClinVar's aggregate classification.
Comment: This variant is classified as likely benign based on ACMG/AMP sequence variant interpretation guidelines (Richards et al. 2015 PMID: 25741868, with internal and published modifications).